The following is an entry in ClinVar:

NM_002637.4(PHKA1):c.3350G>A (p.Arg1117His)

Gene: PHKA1 (phosphorylase kinase regulatory subunit alpha 1; minus strand). Cytogenetic location: Xq13.1.
Variant type: single nucleotide variant.
Coding change: c.3350G>A on transcript NM_002637.4 (MANE Select); coding-DNA position 3350, G replaced by A.
Protein change: p.Arg1117His; replaces arginine 1117 with histidine.
Molecular consequence: missense variant.
Genome position (GRCh38, 1-based): chrX:72,582,546, C>T on the plus strand (G>A on the coding strand, the complement: PHKA1 is on the minus strand). VCF-style: chrX-72582546-C-T. GRCh37 (hg19) VCF-style: chrX-71802396-C-T.
Other names: p.Arg1117His; c.3311G>A, p.Arg1104His (NM_001122670.2); c.3134G>A, p.Arg1045His (NM_001172436.2); short protein forms R1045H, R1104H, R1117H.
Identifiers: ClinVar variation 844216 (VCV000844216.15), dbSNP rs143802511, ClinGen allele CA10450475.
Genomic context (GRCh38, chrX:72,582,546, plus strand): 5'-AGCATGGTGAGGACAAGGATGGCTTCAACCAGCAGCTGACGGTACTCTGGCTGAGGTACA[C>T]GATTCAGGACAGACTCCACATGAACAGAGAATTTAATCTCACCTGGAGTCATCTGTGATA-3'
Protein context (NP_002628.2, residues 1107-1127): FSVHVESVLN[Arg1117His]VPQPEYRQLL

ClinVar aggregate classification (germline): Conflicting classifications of pathogenicity. Review status: criteria provided, conflicting classifications (1 of 4 stars). 5 submissions from 5 submitters: Uncertain significance (4); Likely benign (1). Last evaluated 2026-02-01.

Conditions:
Inborn genetic diseases. Identifiers: MedGen C0950123, MeSH D030342.
Glycogen storage disease IXd (GSD9D). Also called: Muscle Phosphorylase Kinase Deficiency; GSD IXd. Identifiers: Orphanet 715, MedGen C1845151, MONDO:0010362, OMIM 300559.

Allele frequency attached by ClinVar (database versions not stated): TOPMed 0.00012; gnomAD exomes 0.00013; ExAC 0.00017; ESP Exome Variant Server 0.00028.
gnomAD v4.1: 179 of 1,202,479 alleles (0.015%); highest among the groups gnomAD compares: Middle Eastern, 0.046%; no homozygotes.

Submissions (5):

CeGaT Center for Human Genetics Tuebingen
Classification: Likely benign. Last evaluated: 2026-02-01. Review status: criteria provided, single submitter. Criteria: CeGaT Center For Human Genetics Tuebingen Variant Classification Criteria Version 2. Collection method: clinical testing. Allele origin: germline. Affected: yes. Observed: 1 variant allele.
Comment: PHKA1: BS2

Ambry Genetics
Classification: Uncertain significance for Inborn genetic diseases. Last evaluated: 2025-12-08. Review status: criteria provided, single submitter. Criteria: Ambry Variant Classification Scheme 2023. Collection method: clinical testing. Allele origin: germline.

Labcorp Genetics (formerly Invitae), Labcorp
Classification: Uncertain significance for Glycogen storage disease IXd. Last evaluated: 2025-01-27. Review status: criteria provided, single submitter. Criteria: Invitae Variant Classification Sherloc (09022015). Collection method: clinical testing. Allele origin: germline.
Comment: This sequence change replaces arginine, which is basic and polar, with histidine, which is basic and polar, at codon 1117 of the PHKA1 protein (p.Arg1117His). This variant is present in population databases (rs143802511, gnomAD 0.02%). This variant has not been reported in the literature in individuals affected with PHKA1-related conditions. ClinVar contains an entry for this variant (Variation ID: 844216). An algorithm developed to predict the effect of missense changes on protein structure and function (PolyPhen-2) suggests that this variant¬†is likely to be tolerated. In summary, the available evidence is currently insufficient to determine the role of this variant in disease. Therefore, it has been classified as a Variant of Uncertain Significance.

Mayo Clinic Laboratories, Mayo Clinic
Classification: Uncertain significance. Last evaluated: 2024-04-24. Review status: criteria provided, single submitter. Criteria: ACMG Guidelines, 2015. Collection method: clinical testing. Allele origin: germline. Observed: 1 variant allele.
Comment: BS2

Breakthrough Genomics
Classification: Uncertain significance. Review status: criteria provided, single submitter. Criteria: ACMG Guidelines, 2015. Collection method: not provided. Allele origin: germline. Inheritance: X-linked recessive inheritance. Affected: yes.